The following is an entry in ClinVar:

ClinVar aggregate classification (germline): Likely benign. Review status: criteria provided, multiple submitters, no conflicts (2 of 4 stars). 4 submissions from 4 submitters: Likely benign (4). Last evaluated 2025-10-13.

Conditions:
Early-infantile DEE. Also called: Early infantile epileptic encephalopathy; Ohtahara syndrome; Early infantile epileptic encephalopathy with suppression bursts. Identifiers: Orphanet 1934, MedGen C0393706, MONDO:0800491.
Inborn genetic diseases. Identifiers: MedGen C0950123, MeSH D030342.

Allele frequency attached by ClinVar (database versions not stated): gnomAD exomes 0.00008 and 0.00003; 1000 Genomes Project 30x 0.00016; TOPMed 0.00017; 1000 Genomes Project 0.00020; ExAC 0.00004; gnomAD 0.00006 and 0.00007.
gnomAD v4.1: 48 of 1,608,070 alleles (0.003%); highest among the groups gnomAD compares: Admixed American, 0.035%; no homozygotes.

Submissions (4):

Labcorp Genetics (formerly Invitae), Labcorp
Classification: Likely benign for Early-infantile DEE. Last evaluated: 2025-10-13. Review status: criteria provided, single submitter. Criteria: Invitae Variant Classification Sherloc (09022015). Collection method: clinical testing. Allele origin: germline.

CeGaT Center for Human Genetics Tuebingen
Classification: Likely benign. Last evaluated: 2023-05-01. Review status: criteria provided, single submitter. Criteria: CeGaT Center For Human Genetics Tuebingen Variant Classification Criteria Version 2. Collection method: clinical testing. Allele origin: germline. Affected: yes. Observed: 1 variant allele.
Comment: SLC25A22: BP4, BP7

GeneDx
Classification: Likely benign. Last evaluated: 2020-05-19. Review status: criteria provided, single submitter. Criteria: GeneDx Variant Classification Process June 2021. Collection method: clinical testing. Allele origin: germline. Affected: yes.

Ambry Genetics
Classification: Likely benign for Inborn genetic diseases. Last evaluated: 2018-01-19. Review status: criteria provided, single submitter. Criteria: Ambry Variant Classification Scheme 2023. Collection method: clinical testing. Allele origin: germline.

NM_001191061.2(SLC25A22):c.207T>G (p.Ala69=)

Gene: SLC25A22 (solute carrier family 25 member 22; minus strand). Cytogenetic location: 11p15.5.
Variant type: single nucleotide variant.
Coding change: c.207T>G on transcript NM_001191061.2 (MANE Select); coding-DNA position 207, T replaced by G.
Protein change: p.Ala69=; no amino-acid change (alanine 69 retained).
Molecular consequence: synonymous variant.
Genome position (GRCh38, 1-based): chr11:793,615, A>C on the plus strand (T>G on the coding strand, the complement: SLC25A22 is on the minus strand). VCF-style: chr11-793615-A-C. GRCh37 (hg19) VCF-style: chr11-793615-A-C.
Other names: c.207T>G, p.Ala69= (NM_001191060.2, NM_024698.6).
Identifiers: ClinVar variation 516665 (VCV000516665.38), dbSNP rs527440140, ClinGen allele CA5789279.